The following is an entry in ClinVar:

NM_001250.6(CD40):c.475G>A (p.Glu159Lys)

Gene: CD40 (CD40 molecule; plus strand). Cytogenetic location: 20q13.12.
Variant type: single nucleotide variant.
Coding change: c.475G>A on transcript NM_001250.6 (MANE Select); coding-DNA position 475, G replaced by A.
Protein change: p.Glu159Lys; replaces glutamic acid 159 with lysine.
Molecular consequence: missense variant. On other transcripts: intron variant (1).
Genome position (GRCh38, 1-based): chr20:46,123,197, G>A. VCF-style: chr20-46123197-G-A. GRCh37 (hg19) VCF-style: chr20-44751836-G-A.
Other names: c.475G>A, p.Glu159Lys (NM_001302753.2, NM_001322421.2, NM_001362758.2 and 1 more transcripts); c.403+441G>A (NM_001322422.2); short protein forms E159K.
Identifiers: ClinVar variation 1518009 (VCV001518009.4), dbSNP rs2085354746, ClinGen allele CA409206637.

ClinVar aggregate classification (germline): Uncertain significance. Review status: criteria provided, multiple submitters, no conflicts (2 of 4 stars). 2 submissions from 2 submitters: Uncertain significance (2). Last evaluated 2022-12-22.

Allele frequency attached by ClinVar (database versions not stated): gnomAD exomes below 0.00001; TOPMed 0.00001.
gnomAD v4.1: 3 of 1,614,054 alleles (0.00019%); highest among the groups gnomAD compares: East Asian, 0.0022%; no homozygotes.

Submissions (2):

Blueprint Genetics
Classification: Uncertain significance. Last evaluated: 2022-12-22. Review status: criteria provided, single submitter. Criteria: ACMG Guidelines, 2015. Collection method: clinical testing. Allele origin: germline.

Labcorp Genetics (formerly Invitae), Labcorp
Classification: Uncertain significance. Last evaluated: 2022-07-26. Review status: criteria provided, single submitter. Criteria: Invitae Variant Classification Sherloc (09022015). Collection method: clinical testing. Allele origin: germline.
Comment: This sequence change replaces glutamic acid, which is acidic and polar, with lysine, which is basic and polar, at codon 159 of the CD40 protein (p.Glu159Lys). This variant is not present in population databases (gnomAD no frequency). This variant has not been reported in the literature in individuals affected with CD40-related conditions. ClinVar contains an entry for this variant (Variation ID: 1518009). Algorithms developed to predict the effect of missense changes on protein structure and function are either unavailable or do not agree on the potential impact of this missense change (SIFT: "Deleterious"; PolyPhen-2: "Probably Damaging"; Align-GVGD: "Class C15"). Algorithms developed to predict the effect of sequence changes on RNA splicing suggest that this variant may disrupt the consensus splice site. In summary, the available evidence is currently insufficient to determine the role of this variant in disease. Therefore, it has been classified as a Variant of Uncertain Significance.